The following is an entry in ClinVar:

NM_023110.3(FGFR1):c.1082C>A (p.Ala361Asp)

Gene: FGFR1 (fibroblast growth factor receptor 1; minus strand). Cytogenetic location: 8p11.23.
Variant type: single nucleotide variant.
Coding change: c.1082C>A on transcript NM_023110.3 (MANE Select); coding-DNA position 1082, C replaced by A.
Protein change: p.Ala361Asp; replaces alanine 361 with aspartic acid.
Molecular consequence: missense variant.
Genome position (GRCh38, 1-based): chr8:38,419,735, G>T on the plus strand (C>A on the coding strand, the complement: FGFR1 is on the minus strand). VCF-style: chr8-38419735-G-T. GRCh37 (hg19) VCF-style: chr8-38277253-G-T.
Other names: c.1082C>A, p.Ala361Asp (NM_000604.2, NM_001174063.2); c.1058C>A, p.Ala353Asp (NM_001174064.2); c.1076C>A, p.Ala359Asp (NM_001174065.2, NM_001354367.2, NM_001354369.2 and 2 more transcripts); c.815C>A, p.Ala272Asp (NM_001174066.2, NM_023105.3); c.1175C>A, p.Ala392Asp (NM_001174067.2); c.809C>A, p.Ala270Asp (NM_001354368.2, NM_001354370.2, NM_023106.3); short protein forms A270D, A272D, A353D, A359D, A361D, A392D.
Identifiers: ClinVar variation 2430385 (VCV002430385.1), dbSNP rs771811718, ClinGen allele CA4718482.

ClinVar aggregate classification (germline): Uncertain significance (1 of 4 stars; one submission).

Allele frequency attached by ClinVar (database versions not stated): TOPMed below 0.00001; ExAC 0.00001; gnomAD 0.00001.

Submission:

GeneDx
Classification: Uncertain significance. Last evaluated: 2022-08-24. Review status: criteria provided, single submitter. Criteria: GeneDx Variant Classification Process June 2021. Collection method: clinical testing. Allele origin: germline. Affected: yes.
Comment: Not observed at significant frequency in large population cohorts (gnomAD); In silico analysis supports that this missense variant does not alter protein structure/function; Has not been previously published as pathogenic or benign to our knowledge